The following is an entry in ClinVar:

NM_021999.5(ITM2B):c.800G>T (p.Ter267Leu)

Gene: ITM2B (integral membrane protein 2B; plus strand). Cytogenetic location: 13q14.2.
Variant type: single nucleotide variant.
Coding change: c.800G>T on transcript NM_021999.5 (MANE Select); coding-DNA position 800, G replaced by T.
Protein change: p.Ter267Leu.
Molecular consequence: stop lost.
Genome position (GRCh38, 1-based): chr13:48,261,223, G>T. VCF-style: chr13-48261223-G-T. GRCh37 (hg19) VCF-style: chr13-48835359-G-T.
Identifiers: ClinVar variation 1334024 (VCV001334024.2), dbSNP rs2137997888, ClinGen allele CA388252299.

ClinVar aggregate classification (germline): Likely pathogenic. Review status: criteria provided, multiple submitters, no conflicts (2 of 4 stars). 2 submissions from 2 submitters: Likely pathogenic (2). Last evaluated 2025-08-13.

Conditions:
ABri amyloidosis (FBD). Also called: CEREBRAL AMYLOID ANGIOPATHY, ITM2B-RELATED, 1; CEREBRAL AMYLOID ANGIOPATHY, BRITISH TYPE; PRESENILE DEMENTIA WITH SPASTIC ATAXIA. Identifiers: Orphanet 439254, Orphanet 97345, MedGen C5190835, MONDO:0008306, OMIM 176500.

Allele frequency attached by ClinVar (database versions not stated): gnomAD exomes below 0.00001.
gnomAD v4.1: 1 of 1,598,586 alleles (0.000063%); highest among the groups gnomAD compares: South Asian, 0.0011%; no homozygotes.

Submissions (2):

Labcorp Genetics (formerly Invitae), Labcorp
Classification: Likely pathogenic. Last evaluated: 2025-08-13. Review status: criteria provided, single submitter. Criteria: Invitae Variant Classification Sherloc (09022015). Collection method: clinical testing. Allele origin: germline.
Comment: This sequence change disrupts the translational stop signal of the ITM2B mRNA. It is expected to extend the length of the ITM2B protein by 11 additional amino acid residues. This variant is not present in population databases (gnomAD no frequency). This protein extension has been observed in individual(s) with clinical features of hereditary cerebral amyloid angiopathy (PMID: 33814452). It has also been observed to segregate with disease in related individuals. ClinVar contains an entry for this variant (Variation ID: 1334024). This variant results in an extension of the ITM2B protein. Other variant(s) that result in a similarly extended protein product (p.*267Argext*11) have been determined to be pathogenic (PMID: 10391242, 21048150). This suggests that these extensions are likely to be disease-causing. In summary, the currently available evidence indicates that the variant is pathogenic, but additional data are needed to prove that conclusively. Therefore, this variant has been classified as Likely Pathogenic.

CENTOGENE GmbH and LLC - Guiding Precision Medicine
Classification: Likely pathogenic for ABri amyloidosis. Last evaluated: 2019-09-27. Review status: criteria provided, single submitter. Criteria: ACMG Guidelines, 2015. Collection method: clinical testing. Allele origin: germline. Affected: yes.

Literature cited by the submitters: PubMed 33814452 (cited by Labcorp Genetics (formerly Invitae), Labcorp); PubMed 10391242 (cited by Labcorp Genetics (formerly Invitae), Labcorp); PubMed 21048150 (cited by Labcorp Genetics (formerly Invitae), Labcorp).